The following is an entry in ClinVar:

NM_001165963.4(SCN1A):c.1579G>A (p.Asp527Asn)

Gene: SCN1A (sodium voltage-gated channel alpha subunit 1; minus strand). Cytogenetic location: 2q24.3.
Variant type: single nucleotide variant.
Coding change: c.1579G>A on transcript NM_001165963.4 (MANE Select); coding-DNA position 1579, G replaced by A.
Protein change: p.Asp527Asn; replaces aspartic acid 527 with asparagine.
Molecular consequence: missense variant. On other transcripts: 5 prime UTR variant (1), non-coding transcript variant (1).
Genome position (GRCh38, 1-based): chr2:166,045,126, C>T on the plus strand (G>A on the coding strand, the complement: SCN1A is on the minus strand). VCF-style: chr2-166045126-C-T. GRCh37 (hg19) VCF-style: chr2-166901636-C-T.
Other names: c.1579G>A, p.Asp527Asn (NM_001165964.3, NM_001202435.3, NM_001353948.2 and 7 more transcripts); c.1576G>A, p.Asp526Asn (NM_001353954.2, NM_001353955.2, NM_001353960.2); c.-847G>A (NM_001353961.2); short protein forms D526N, D527N.
Identifiers: ClinVar variation 963004 (VCV000963004.11), dbSNP rs1191091069, ClinGen allele CA349069286.
Genomic context (GRCh38, chr2:166,045,126, plus strand): 5'-TTTCATATGTCAATCGGTTCCCTTCAATGGAGAAGCGAAAACCTTTCCTCCTGATGCTGT[C>T]CTCAGATTCAGATTTTTGGAATTCATCCTCATCTTTCTCTTCCCCACCAGACTGCTCTTT-3'
Protein context (NP_001159435.1, residues 517-537): EDEFQKSESE[Asp527Asn]SIRRKGFRFS

ClinVar aggregate classification (germline): Uncertain significance. Review status: criteria provided, multiple submitters, no conflicts (2 of 4 stars). 2 submissions from 2 submitters: Uncertain significance (2). Last evaluated 2024-09-24.

Conditions:
Early-infantile DEE. Also called: Ohtahara syndrome; Early infantile epileptic encephalopathy; Early infantile epileptic encephalopathy with suppression bursts. Identifiers: Orphanet 1934, MedGen C0393706, MONDO:0800491.

Allele frequency attached by ClinVar (database versions not stated): TOPMed below 0.00001; gnomAD 0.00001.
gnomAD v4.1: 2 of 1,614,012 alleles (0.00012%); highest among the groups gnomAD compares: Admixed American, 0.0017%; no homozygotes.

Submissions (2):

GeneDx
Classification: Uncertain significance. Last evaluated: 2024-09-24. Review status: criteria provided, single submitter. Criteria: GeneDx Variant Classification Process June 2021. Collection method: clinical testing. Allele origin: germline. Affected: yes.
Comment: Not observed at significant frequency in large population cohorts (gnomAD); In silico analysis supports that this missense variant has a deleterious effect on protein structure/function; This substitution is predicted to be within the cytoplasmic loop between the first and second homologous domains; Has not been previously published as pathogenic or benign to our knowledge

Labcorp Genetics (formerly Invitae), Labcorp
Classification: Uncertain significance for Early-infantile DEE. Last evaluated: 2019-10-30. Review status: criteria provided, single submitter. Criteria: Invitae Variant Classification Sherloc (09022015). Collection method: clinical testing. Allele origin: germline.
Comment: This variant has not been reported in the literature in individuals with SCN1A-related conditions. In summary, the available evidence is currently insufficient to determine the role of this variant in disease. Therefore, it has been classified as a Variant of Uncertain Significance. Algorithms developed to predict the effect of missense changes on protein structure and function are either unavailable or do not agree on the potential impact of this missense change (SIFT: "Deleterious"; PolyPhen-2: "Benign"; Align-GVGD: "Class C15"). This variant is not present in population databases (ExAC no frequency). This sequence change replaces aspartic acid with asparagine at codon 527 of the SCN1A protein (p.Asp527Asn). The aspartic acid residue is highly conserved and there is a small physicochemical difference between aspartic acid and asparagine.